The following is an entry in ClinVar:

ClinVar aggregate classification (germline): Uncertain significance. Review status: criteria provided, multiple submitters, no conflicts (2 of 4 stars). 2 submissions from 2 submitters: Uncertain significance (2). Last evaluated 2024-11-11.

Conditions:
Progressive familial heart block type IB (PFHB1B). Identifiers: Orphanet 871, MedGen C1970298, MONDO:0011474, OMIM 604559.

Submissions (2):

Labcorp Genetics (formerly Invitae), Labcorp
Classification: Uncertain significance for Progressive familial heart block type IB. Last evaluated: 2024-11-11. Review status: criteria provided, single submitter. Criteria: Invitae Variant Classification Sherloc (09022015). Collection method: clinical testing. Allele origin: germline.
Comment: This sequence change replaces glycine, which is neutral and non-polar, with arginine, which is basic and polar, at codon 950 of the TRPM4 protein (p.Gly950Arg). This variant is not present in population databases (gnomAD no frequency). This variant has not been reported in the literature in individuals affected with TRPM4-related conditions. An algorithm developed to predict the effect of missense changes on protein structure and function (PolyPhen-2) suggests that this variant is likely to be disruptive. In summary, the available evidence is currently insufficient to determine the role of this variant in disease. Therefore, it has been classified as a Variant of Uncertain Significance.

Blueprint Genetics
Classification: Uncertain significance. Last evaluated: 2023-11-14. Review status: criteria provided, single submitter. Criteria: ACMG Guidelines, 2015. Collection method: clinical testing. Allele origin: germline.

NM_017636.4(TRPM4):c.2848G>A (p.Gly950Arg)

Gene: TRPM4 (transient receptor potential cation channel subfamily M member 4; plus strand). Cytogenetic location: 19q13.33.
Variant type: single nucleotide variant.
Coding change: c.2848G>A on transcript NM_017636.4 (MANE Select); coding-DNA position 2848, G replaced by A.
Protein change: p.Gly950Arg; replaces glycine 950 with arginine.
Molecular consequence: missense variant.
Genome position (GRCh38, 1-based): chr19:49,200,680, G>A. VCF-style: chr19-49200680-G-A. GRCh37 (hg19) VCF-style: chr19-49703937-G-A.
Other names: c.2413G>A, p.Gly805Arg (NM_001195227.2); c.2503G>A, p.Gly835Arg (NM_001321281.2); c.1240G>A, p.Gly414Arg (NM_001321282.2); c.2326G>A, p.Gly776Arg (NM_001321283.2); c.1786G>A, p.Gly596Arg (NM_001321285.2); short protein forms G414R, G805R, G776R, G596R, G835R, G950R.
Identifiers: ClinVar variation 3631517 (VCV003631517.3).